The following is an entry in ClinVar:

ClinVar aggregate classification (germline): Uncertain significance (1 of 4 stars; one submission).

Conditions:
Ullrich congenital muscular dystrophy 2 (UCMD2). Identifiers: Orphanet 75840, MedGen C4225314, MONDO:0014654, OMIM 616470.
Bethlem myopathy 2 (BTHLM2). Identifiers: Orphanet 536516, Orphanet 610, MedGen C4225313, MONDO:0034022, OMIM 616471.

Submission:

Labcorp Genetics (formerly Invitae), Labcorp
Classification: Uncertain significance for Bethlem myopathy 2; Ullrich congenital muscular dystrophy 2. Last evaluated: 2024-10-04. Review status: criteria provided, single submitter. Criteria: Invitae Variant Classification Sherloc (09022015). Collection method: clinical testing. Allele origin: germline.
Comment: This sequence change replaces leucine, which is neutral and non-polar, with serine, which is neutral and polar, at codon 2327 of the COL12A1 protein (p.Leu2327Ser). This variant is not present in population databases (gnomAD no frequency). This variant has not been reported in the literature in individuals affected with COL12A1-related conditions. Invitae Evidence Modeling of protein sequence and biophysical properties (such as structural, functional, and spatial information, amino acid conservation, physicochemical variation, residue mobility, and thermodynamic stability) has been performed for this missense variant. However, the output from this modeling did not meet the statistical confidence thresholds required to predict the impact of this variant on COL12A1 protein function. In summary, the available evidence is currently insufficient to determine the role of this variant in disease. Therefore, it has been classified as a Variant of Uncertain Significance.

NM_004370.6(COL12A1):c.6980T>C (p.Leu2327Ser)

Gene: COL12A1 (collagen type XII alpha 1 chain; minus strand). Cytogenetic location: 6q13.
Variant type: single nucleotide variant.
Coding change: c.6980T>C on transcript NM_004370.6 (MANE Select); coding-DNA position 6980, T replaced by C.
Protein change: p.Leu2327Ser; replaces leucine 2327 with serine.
Molecular consequence: missense variant.
Genome position (GRCh38, 1-based): chr6:75,121,408, A>G on the plus strand (T>C on the coding strand, the complement: COL12A1 is on the minus strand). VCF-style: chr6-75121408-A-G. GRCh37 (hg19) VCF-style: chr6-75831124-A-G.
Other names: c.6980T>C, p.Leu2327Ser (NM_001424113.1); c.6959T>C, p.Leu2320Ser (NM_001424114.1); c.6707T>C, p.Leu2236Ser (NM_001424115.1); c.3488T>C, p.Leu1163Ser (NM_001424116.1, NM_080645.3); short protein forms L1163S, L2236S, L2320S, L2327S.
Identifiers: ClinVar variation 3757824 (VCV003757824.2).